The following is an entry in ClinVar:

NM_001122681.2(SH3BP2):c.1295G>A (p.Arg432Gln)

Gene: SH3BP2 (SH3 domain binding protein 2; plus strand). Cytogenetic location: 4p16.3.
Variant type: single nucleotide variant.
Coding change: c.1295G>A on transcript NM_001122681.2 (MANE Select); coding-DNA position 1295, G replaced by A.
Protein change: p.Arg432Gln; replaces arginine 432 with glutamine.
Molecular consequence: missense variant.
Genome position (GRCh38, 1-based): chr4:2,831,624, G>A. VCF-style: chr4-2831624-G-A. GRCh37 (hg19) VCF-style: chr4-2833351-G-A.
Other names: c.1379G>A, p.Arg460Gln (NM_001145855.2); c.1466G>A, p.Arg489Gln (NM_001145856.2); c.1295G>A, p.Arg432Gln (NM_003023.4); short protein forms R432Q, R489Q, R460Q.
Identifiers: ClinVar variation 1419798 (VCV001419798.9), dbSNP rs200226629, ClinGen allele CA2819457.
Genomic context (GRCh38, chr4:2,831,624, plus strand): 5'-CCTCCAGGCGATCACCCCCCGATGGGCAGAGTTTCAGGAGCTTCTCCTTTGAAAAGCCCC[G>A]GCAACCCTCACAGGCTGACACTGGCGGGGACGACTCGGACGAGGACTATGAGAAGGCAAG-3'
Protein context (NP_001116153.1, residues 422-442): SFRSFSFEKP[Arg432Gln]QPSQADTGGD

ClinVar aggregate classification (germline): Uncertain significance. Review status: criteria provided, multiple submitters, no conflicts (2 of 4 stars). 2 submissions from 2 submitters: Uncertain significance (2). Last evaluated 2025-08-31.

Conditions:
Inborn genetic diseases. Identifiers: MedGen C0950123, MeSH D030342.
Fibrous dysplasia of jaw (CRBM). Also called: Cherubism. Identifiers: Orphanet 184, MedGen C0008029, MONDO:0007315, OMIM 118400.

Allele frequency attached by ClinVar (database versions not stated): gnomAD exomes 0.00002; gnomAD 0.00003 and 0.00004; TOPMed 0.00005; ExAC 0.00007; ESP Exome Variant Server 0.00008.
gnomAD v4.1: 34 of 1,606,216 alleles (0.0021%); highest among the groups gnomAD compares: South Asian, 0.01%; no homozygotes.

Submissions (2):

Labcorp Genetics (formerly Invitae), Labcorp
Classification: Uncertain significance for Fibrous dysplasia of jaw. Last evaluated: 2025-08-31. Review status: criteria provided, single submitter. Criteria: Invitae Variant Classification Sherloc (09022015). Collection method: clinical testing. Allele origin: germline.
Comment: This sequence change replaces arginine, which is basic and polar, with glutamine, which is neutral and polar, at codon 432 of the SH3BP2 protein (p.Arg432Gln). The frequency data for this variant in the population databases is considered unreliable, as metrics indicate poor data quality at this position in the gnomAD database. This variant has not been reported in the literature in individuals affected with SH3BP2-related conditions. ClinVar contains an entry for this variant (Variation ID: 1419798). Invitae Evidence Modeling of protein sequence and biophysical properties (such as structural, functional, and spatial information, amino acid conservation, physicochemical variation, residue mobility, and thermodynamic stability) indicates that this missense variant is not expected to disrupt SH3BP2 protein function with a negative predictive value of 80%. In summary, the available evidence is currently insufficient to determine the role of this variant in disease. Therefore, it has been classified as a Variant of Uncertain Significance.

Ambry Genetics
Classification: Uncertain significance for Inborn genetic diseases. Last evaluated: 2022-04-07. Review status: criteria provided, single submitter. Criteria: Ambry Variant Classification Scheme 2023. Collection method: clinical testing. Allele origin: germline.